The following is an entry in ClinVar:

NM_001145358.2(SIN3A):c.843G>A (p.Gln281=)

Gene: SIN3A (SIN3 transcription regulator family member A; minus strand). Cytogenetic location: 15q24.2.
Variant type: single nucleotide variant.
Coding change: c.843G>A on transcript NM_001145358.2 (MANE Select); coding-DNA position 843, G replaced by A.
Protein change: p.Gln281=; no amino-acid change (glutamine 281 retained).
Molecular consequence: synonymous variant.
Genome position (GRCh38, 1-based): chr15:75,411,657, C>T on the plus strand (G>A on the coding strand, the complement: SIN3A is on the minus strand). VCF-style: chr15-75411657-C-T. GRCh37 (hg19) VCF-style: chr15-75703998-C-T.
Other names: c.843G>A, p.Gln281= (NM_001145357.2, NM_015477.3).
Identifiers: ClinVar variation 1049494 (VCV001049494.1), dbSNP rs765920177, ClinGen allele CA7667799.

ClinVar aggregate classification (germline): Uncertain significance (0 of 4 stars; one submission).

Allele frequency attached by ClinVar (database versions not stated): TOPMed below 0.00001; ExAC 0.00005; gnomAD exomes 0.00006.
gnomAD v4.1: 41 of 1,614,116 alleles (0.0025%); highest among the groups gnomAD compares: South Asian, 0.041%; no homozygotes.

Submission:

Department of Pathology and Laboratory Medicine, Sinai Health System
Classification: Uncertain significance. Review status: no assertion criteria provided. Collection method: clinical testing. Allele origin: unknown. Affected: yes. Study: The Canadian Open Genetics Repository (COGR).
Comment: The SIN3A p.Gln281Gln variant was not identified in the literature nor was it identified in the ClinVar, Cosmic or LOVD 3.0 databases. The variant was identified in dbSNP (ID: rs765920177) and in control databases in 15 of 246194 chromosomes at a frequency of 0.000061 (Genome Aggregation Database Feb 27, 2017). The variant was observed in the following population: South Asian in 15 of 30772 chromosomes (freq: 0.000488); it was not observed in the African, Ashkenazi Jewish, East Asian, European (Finnish), European (Non-Finnish), Latino and other populations. The p.Gln281Gln variant is not expected to have clinical significance because it does not result in a change of amino acid and is not located in a known consensus splice site. The variant occurs outside of the splicing consensus sequence however 3 of 4 in silico or computational prediction software programs (SpliceSiteFinder, MaxEntScan, GeneSplicer) predict a greater than 10% difference in splicing and the loss of an unannotated 3' splice site. As this splice site is not currently recognized or annotated in any SIN3A transcript, it is unclear how or if this would affect the protein. This information is not predictive enough to assume pathogenicity. In summary, based on the above information the clinical significance of this variant cannot be determined with certainty at this time. This variant is classified as a variant of uncertain significance.